The following is an entry in ClinVar:

NM_000552.5(VWF):c.3181A>G (p.Arg1061Gly)

Gene: VWF (von Willebrand factor; minus strand). Cytogenetic location: 12p13.31.
Variant type: single nucleotide variant.
Coding change: c.3181A>G on transcript NM_000552.5 (MANE Select); coding-DNA position 3181, A replaced by G.
Protein change: p.Arg1061Gly; replaces arginine 1061 with glycine.
Molecular consequence: missense variant.
Genome position (GRCh38, 1-based): chr12:6,025,621, T>C on the plus strand (A>G on the coding strand, the complement: VWF is on the minus strand). VCF-style: chr12-6025621-T-C. GRCh37 (hg19) VCF-style: chr12-6134787-T-C.
Other names: short protein forms R1061G.
Identifiers: ClinVar variation 4978945 (VCV004978945.1).

ClinVar aggregate classification (germline): Uncertain significance (1 of 4 stars; one submission).

Conditions:
VWF-related disorder. Also called: VWF-related disorders; VWF-related condition.

gnomAD v4.1: 16 of 1,543,408 alleles (0.001%); highest among the groups gnomAD compares: Non-Finnish European, 0.0013%; no homozygotes.

Submission:

PreventionGenetics, part of Exact Sciences
Classification: Uncertain significance for VWF-related condition. Last evaluated: 2025-10-28. Review status: criteria provided, single submitter. Criteria: ACMG Guidelines, 2015. Collection method: clinical testing. Allele origin: germline.
Comment: The VWF c.3181A>G variant is predicted to result in the amino acid substitution p.Arg1061Gly. To our knowledge, this variant has not been reported in the literature. This variant is reported in 0.0019% of alleles in individuals of European (Non-Finnish) descent in gnomAD. This variant falls within a highly paralogous region. Allele frequency data should be interpreted with caution. At this time, the clinical significance of this variant is uncertain due to the absence of conclusive functional and genetic evidence.